The following is an entry in ClinVar:

ClinVar aggregate classification (germline): Uncertain significance (1 of 4 stars; one submission).

Conditions:
Werner syndrome (WRN). Identifiers: Orphanet 902, MedGen C0043119, MONDO:0010196, OMIM 277700.

Submission:

Labcorp Genetics (formerly Invitae), Labcorp
Classification: Uncertain significance for Werner syndrome. Last evaluated: 2024-04-10. Review status: criteria provided, single submitter. Criteria: Invitae Variant Classification Sherloc (09022015). Collection method: clinical testing. Allele origin: germline.
Comment: This sequence change replaces asparagine, which is neutral and polar, with histidine, which is basic and polar, at codon 428 of the WRN protein (p.Asn428His). This variant is not present in population databases (gnomAD no frequency). This variant has not been reported in the literature in individuals affected with WRN-related conditions. An algorithm developed to predict the effect of missense changes on protein structure and function (PolyPhen-2) suggests that this variant is likely to be tolerated. In summary, the available evidence is currently insufficient to determine the role of this variant in disease. Therefore, it has been classified as a Variant of Uncertain Significance.

NM_000553.6(WRN):c.1282A>C (p.Asn428His)

Gene: WRN (WRN RecQ like helicase; plus strand). Cytogenetic location: 8p12.
Variant type: single nucleotide variant.
Coding change: c.1282A>C on transcript NM_000553.6 (MANE Select); coding-DNA position 1282, A replaced by C.
Protein change: p.Asn428His; replaces asparagine 428 with histidine.
Molecular consequence: missense variant.
Genome position (GRCh38, 1-based): chr8:31,083,711, A>C. VCF-style: chr8-31083711-A-C. GRCh37 (hg19) VCF-style: chr8-30941227-A-C.
Other names: short protein forms N428H.
Identifiers: ClinVar variation 2886695 (VCV002886695.3), dbSNP rs991001747, ClinGen allele CA174860531.